The following is an entry in ClinVar:

ClinVar aggregate classification (germline): Uncertain significance (1 of 4 stars; one submission).

Conditions:
Hereditary cancer-predisposing syndrome. Also called: Tumor predisposition; Hereditary Cancer Syndrome; Hereditary neoplastic syndrome; Neoplastic Syndromes, Hereditary. Identifiers: Orphanet 140162, MedGen C0027672, MeSH D009386, MONDO:0015356.

Submission:

Ambry Genetics
Classification: Uncertain significance for Hereditary cancer-predisposing syndrome. Last evaluated: 2023-01-04. Review status: criteria provided, single submitter. Criteria: Ambry Variant Classification Scheme 2023. Collection method: clinical testing. Allele origin: germline.
Comment: The c.7360_7365delGCACTG variant (also known as p.A2454_L2455del) is located in coding exon 49 of the ATM gene. This variant results from an in-frame GCACTG deletion at nucleotide positions 7360 to 7365. This results in the in-frame deletion of the alanine and leucine residues at codons 2454-2455. This amino acid region is well conserved in available vertebrate species. In addition, this alteration is predicted to be deleterious by in silico analysis (Choi Y et al. PLoS ONE. 2012; 7(10):e46688). Since supporting evidence is limited at this time, the clinical significance of this alteration remains unclear.

NM_000051.4(ATM):c.7360_7365del (p.Ala2454_Leu2455del)

Genes: ATM (ATM serine/threonine kinase; plus strand), C11orf65 (chromosome 11 open reading frame 65; minus strand). Cytogenetic location: 11q22.3.
Variant type: Deletion.
Coding change: c.7360_7365del on transcript NM_000051.4 (MANE Select); coding-DNA positions 7360 to 7365, 6 bases deleted (GCACTG; older notation c.7360_7365delGCACTG).
Protein change: p.Ala2454_Leu2455del.
Molecular consequence: inframe deletion. On other transcripts: intron variant (2).
Genome position (GRCh38, 1-based): chr11:108,330,266-108,330,271, GCACTG deleted. VCF-style (leftmost placement, unchanged base first): chr11-108330265-TGCACTG-T. GRCh37 (hg19) VCF-style: chr11-108200992-TGCACTG-T.
Other names: c.7360_7365del, p.Ala2454_Leu2455del (NM_001351834.2); c.641-21200_641-21195del (NM_001330368.2); c.*38+4949_*38+4954del (NM_001351110.2).
Identifiers: ClinVar variation 2453945 (VCV002453945.2), dbSNP rs2547261473, ClinGen allele CA2580083352.